The following is an entry in ClinVar:

ClinVar aggregate classification (germline): Uncertain significance (1 of 4 stars; one submission).

Allele frequency attached by ClinVar (database versions not stated): gnomAD exomes below 0.00001 and 0.00001; TOPMed 0.00001.
gnomAD v4.1: 2 of 1,613,978 alleles (0.00012%); highest among the groups gnomAD compares: Non-Finnish European, 0.00017%; no homozygotes.

Submission:

Labcorp Genetics (formerly Invitae), Labcorp
Classification: Uncertain significance. Last evaluated: 2021-08-18. Review status: criteria provided, single submitter. Criteria: Invitae Variant Classification Sherloc (09022015). Collection method: clinical testing. Allele origin: germline.
Comment: This sequence change replaces aspartic acid with tyrosine at codon 115 of the C1QB protein (p.Asp115Tyr). The aspartic acid residue is highly conserved and there is a large physicochemical difference between aspartic acid and tyrosine. This variant is not present in population databases (ExAC no frequency). This variant has not been reported in the literature in individuals affected with C1QB-related conditions. Algorithms developed to predict the effect of missense changes on protein structure and function are either unavailable or do not agree on the potential impact of this missense change (SIFT: "Tolerated"; PolyPhen-2: "Probably Damaging"; Align-GVGD: "Class C0"). In summary, the available evidence is currently insufficient to determine the role of this variant in disease. Therefore, it has been classified as a Variant of Uncertain Significance.

NM_001378156.1(C1QB):c.337G>T (p.Asp113Tyr)

Gene: C1QB (complement C1q B chain; plus strand). Cytogenetic location: 1p36.12.
Variant type: single nucleotide variant.
Coding change: c.337G>T on transcript NM_001378156.1 (MANE Select); coding-DNA position 337, G replaced by T.
Protein change: p.Asp113Tyr; replaces aspartic acid 113 with tyrosine.
Molecular consequence: missense variant.
Genome position (GRCh38, 1-based): chr1:22,660,967, G>T. VCF-style: chr1-22660967-G-T. GRCh37 (hg19) VCF-style: chr1-22987460-G-T.
Other names: c.343G>T, p.Asp115Tyr (NM_000491.5); c.337G>T, p.Asp113Tyr (NM_001371184.3); short protein forms D113Y, D115Y.
Identifiers: ClinVar variation 1389285 (VCV001389285.6), dbSNP rs200502843, ClinGen allele CA19187928.